The following is an entry in ClinVar:

NM_000179.3(MSH6):c.3928_3954dup (p.Glu1310_Arg1318dup)

Gene: MSH6 (mutS homolog 6; plus strand). Cytogenetic location: 2p16.3.
Variant type: Duplication.
Coding change: c.3928_3954dup on transcript NM_000179.3 (MANE Select); coding-DNA positions 3928 to 3954, 27 bases duplicated (GAGGAAGTTATTCAAAAGGGACATAGA).
Protein change: p.Glu1310_Arg1318dup.
Molecular consequence: inframe insertion.
Genome position (GRCh38, 1-based): chr2:47,806,578-47,806,604, GAGGAAGTTATTCAAAAGGGACATAGA duplicated; duplicating any 27 consecutive bases within chr2:47,806,577-47,806,604 gives the same sequence; the c. name uses the placement nearest the transcript's 3' end. VCF-style (leftmost placement, unchanged base first): chr2-47806576-C-CAGAGGAAGTTATTCAAAAGGGACATAG. GRCh37 (hg19) VCF-style: chr2-48033715-C-CAGAGGAAGTTATTCAAAAGGGACATAG.
Other names: c.3538_3564dup, p.Glu1180_Arg1188dup (NM_001281492.2); c.3022_3048dup, p.Glu1008_Arg1016dup (NM_001281493.2, NM_001281494.2); c.3928_3954dupGAGGAAGTTATTCAAAAGGGACATAGA (NM_000179.2).
Identifiers: ClinVar variation 483848 (VCV000483848.5), dbSNP rs1553333612, ClinGen allele CA658655766.

ClinVar aggregate classification (germline): Uncertain significance (1 of 4 stars; one submission).

Conditions:
Hereditary cancer-predisposing syndrome. Also called: Neoplastic Syndromes, Hereditary; Tumor predisposition; Hereditary Cancer Syndrome; Hereditary neoplastic syndrome. Identifiers: Orphanet 140162, MedGen C0027672, MeSH D009386, MONDO:0015356.

Submission:

Ambry Genetics
Classification: Uncertain significance for Hereditary cancer-predisposing syndrome. Last evaluated: 2017-03-23. Review status: criteria provided, single submitter. Criteria: Ambry Variant Classification Scheme 2023. Collection method: clinical testing. Allele origin: germline.
Comment: The c.3928_3954dup27 variant (also known as p.E1310_R1318dup), located in coding exon 9 of the MSH6 gene, results from an in-frame duplication of 27 nucleotides at nucleotide positions 3928 to 3954. This results in the duplication of 9 extra residues (EEVIQKGHR) between codons 1310 and 1318. Since supporting evidence is limited at this time, the clinical significance of this alteration remains unclear.